The following is an entry in ClinVar:

ClinVar aggregate classification (germline): Likely benign (0 of 4 stars; one submission).

Conditions:
MUC16-related disorder. Also called: MUC16-related condition.

Allele frequency attached by ClinVar (database versions not stated): ExAC 0.00002.

Submission:

PreventionGenetics, part of Exact Sciences
Classification: Likely benign for MUC16-related condition. Last evaluated: 2019-06-04. Review status: no assertion criteria provided. Collection method: clinical testing. Allele origin: germline.
Comment: This variant is classified as likely benign based on ACMG/AMP sequence variant interpretation guidelines (Richards et al. 2015 PMID: 25741868, with internal and published modifications).

NM_001401501.2(MUC16):c.43431G>A (p.Val14477=)

Gene: MUC16 (mucin 16, cell surface associated; minus strand). Cytogenetic location: 19p13.2.
Variant type: single nucleotide variant.
Coding change: c.43431G>A on transcript NM_001401501.2 (MANE Select); coding-DNA position 43431, G replaced by A.
Protein change: p.Val14477=; no amino-acid change (valine 14477 retained).
Molecular consequence: synonymous variant.
Genome position (GRCh38, 1-based): chr19:8,886,841, C>T on the plus strand (G>A on the coding strand, the complement: MUC16 is on the minus strand). VCF-style: chr19-8886841-C-T. GRCh37 (hg19) VCF-style: chr19-8997517-C-T.
Other names: c.43857G>A, p.Val14619= (NM_001414686.1); c.43311G>A, p.Val14437= (NM_001414687.1); c.40905G>A, p.Val13635= (NM_024690.2).
Identifiers: ClinVar variation 3056847 (VCV003056847.2), dbSNP rs762059355, ClinGen allele CA9163058.